The following is an entry in ClinVar:

ClinVar aggregate classification (germline): Uncertain significance. Review status: criteria provided, multiple submitters, no conflicts (2 of 4 stars). 2 submissions from 2 submitters: Uncertain significance (2). Last evaluated 2025-09-11.

Conditions:
Peroxisome biogenesis disorder, complementation group 7 (CG7). Also called: Peroxisome biogenesis disorder, complementation group B. Identifiers: MedGen C1864399.
Inborn genetic diseases. Identifiers: MedGen C0950123, MeSH D030342.

Submissions (2):

Ambry Genetics
Classification: Uncertain significance for Inborn genetic diseases. Last evaluated: 2025-09-11. Review status: criteria provided, single submitter. Criteria: Ambry Variant Classification Scheme 2023. Collection method: clinical testing. Allele origin: germline.

Labcorp Genetics (formerly Invitae), Labcorp
Classification: Uncertain significance for Peroxisome biogenesis disorder, complementation group 7. Last evaluated: 2024-01-02. Review status: criteria provided, single submitter. Criteria: Invitae Variant Classification Sherloc (09022015). Collection method: clinical testing. Allele origin: germline.
Comment: This sequence change replaces arginine, which is basic and polar, with glycine, which is neutral and non-polar, at codon 273 of the PEX10 protein (p.Arg273Gly). This variant is present in population databases (no rsID available, gnomAD 0.006%). This variant has not been reported in the literature in individuals affected with PEX10-related conditions. ClinVar contains an entry for this variant (Variation ID: 2182981). An algorithm developed to predict the effect of missense changes on protein structure and function (PolyPhen-2) suggests that this variant is likely to be disruptive. In summary, the available evidence is currently insufficient to determine the role of this variant in disease. Therefore, it has been classified as a Variant of Uncertain Significance.

NM_002617.4(PEX10):c.757C>G (p.Arg253Gly)

Gene: PEX10 (peroxisomal biogenesis factor 10; minus strand). Cytogenetic location: 1p36.32.
Variant type: single nucleotide variant.
Coding change: c.757C>G on transcript NM_002617.4 (MANE Select); coding-DNA position 757, C replaced by G.
Protein change: p.Arg253Gly; replaces arginine 253 with glycine.
Molecular consequence: missense variant. On other transcripts: non-coding transcript variant (1).
Genome position (GRCh38, 1-based): chr1:2,406,739, G>C on the plus strand (C>G on the coding strand, the complement: PEX10 is on the minus strand). VCF-style: chr1-2406739-G-C. GRCh37 (hg19) VCF-style: chr1-2338178-G-C.
Other names: c.814C>G, p.Arg272Gly (NM_001374425.1); c.382C>G, p.Arg128Gly (NM_001374426.1); c.325C>G, p.Arg109Gly (NM_001374427.1); c.817C>G, p.Arg273Gly (NM_153818.2); c.817C>G (NM_153818.1); short protein forms R109G, R253G, R128G, R272G, R273G.
Identifiers: ClinVar variation 2182981 (VCV002182981.5), dbSNP rs756537855, ClinGen allele CA337985033.
Genomic context (GRCh38, chr1:2,406,739, plus strand): 5'-CCAGGACACCCCCAGCCCCCATGTGTGGCCCCCGCACGCACCTGCGGTGAGACAGGCCGC[G>C]GTGCAGCCTCCACTCCTTCCTGGCTCGCTGCCGCTGCCTGAAACCGTACAGCTGCAGCCC-3'
Protein context (NP_002608.1, residues 243-263): QRARKEWRLH[Arg253Gly]GLSHRRASLE